The following is an entry in ClinVar:

ClinVar aggregate classification (germline): Benign (1 of 4 stars; one submission).

Allele frequency attached by ClinVar (database versions not stated): gnomAD 0.49542; 1000 Genomes Project 30x 0.51363; TOPMed 0.51598; 1000 Genomes Project 0.51656.

Submission:

GeneDx
Classification: Benign. Last evaluated: 2018-06-14. Review status: criteria provided, single submitter. Criteria: GeneDx Variant Classification (06012015). Collection method: clinical testing. Allele origin: germline. Affected: yes.
Comment: This variant is considered likely benign or benign based on one or more of the following criteria: it is a conservative change, it occurs at a poorly conserved position in the protein, it is predicted to be benign by multiple in silico algorithms, and/or has population frequency not consistent with disease.

NM_004006.3(DMD):c.6913-3916C>G

Gene: DMD (dystrophin; minus strand). Cytogenetic location: Xp21.1.
Variant type: single nucleotide variant.
Coding change: c.6913-3916C>G on transcript NM_004006.3 (MANE Select); 3916 bases into the intron before coding-DNA position 6913, C replaced by G.
Molecular consequence: intron variant.
Genome position (GRCh38, 1-based): chrX:31,879,289, G>C on the plus strand (C>G on the coding strand, the complement: DMD is on the minus strand). VCF-style: chrX-31879289-G-C. GRCh37 (hg19) VCF-style: chrX-31897406-G-C.
Other names: c.6889-3916C>G (NM_000109.4); c.2890-3916C>G (NM_004011.4); c.2881-3916C>G (NM_004012.4); c.-468-3916C>G (NM_004023.3, NM_004020.4, NM_004022.3 and 2 more transcripts); c.6901-3916C>G (NM_004009.3); c.6544-3916C>G (NM_004010.3).
Identifiers: ClinVar variation 671087 (VCV000671087.1), dbSNP rs5927898, ClinGen allele CA16010096.